The following is an entry in ClinVar:

ClinVar aggregate classification (germline): Uncertain significance (1 of 4 stars; one submission).

Allele frequency attached by ClinVar (database versions not stated): ExAC 0.00004.

Submission:

Labcorp Genetics (formerly Invitae), Labcorp
Classification: Uncertain significance. Last evaluated: 2022-10-17. Review status: criteria provided, single submitter. Criteria: Invitae Variant Classification Sherloc (09022015). Collection method: clinical testing. Allele origin: germline.
Comment: In summary, the available evidence is currently insufficient to determine the role of this variant in disease. Therefore, it has been classified as a Variant of Uncertain Significance. Advanced modeling of protein sequence and biophysical properties (such as structural, functional, and spatial information, amino acid conservation, physicochemical variation, residue mobility, and thermodynamic stability) performed at Invitae indicates that this missense variant is not expected to disrupt CSF2RB protein function. This variant has not been reported in the literature in individuals affected with CSF2RB-related conditions. This variant is present in population databases (rs754637008, gnomAD 0.004%). This sequence change replaces alanine, which is neutral and non-polar, with serine, which is neutral and polar, at codon 398 of the CSF2RB protein (p.Ala398Ser).

NM_000395.3(CSF2RB):c.1192G>T (p.Ala398Ser)

Gene: CSF2RB (colony stimulating factor 2 receptor subunit beta; plus strand). Cytogenetic location: 22q12.3.
Variant type: single nucleotide variant.
Coding change: c.1192G>T on transcript NM_000395.3 (MANE Select); coding-DNA position 1192, G replaced by T.
Protein change: p.Ala398Ser; replaces alanine 398 with serine.
Molecular consequence: missense variant.
Genome position (GRCh38, 1-based): chr22:36,933,871, G>T. VCF-style: chr22-36933871-G-T. GRCh37 (hg19) VCF-style: chr22-37329913-G-T.
Other names: c.1210G>T, p.Ala404Ser (NM_001410827.1); short protein forms A398S, A404S.
Identifiers: ClinVar variation 2094084 (VCV002094084.4), dbSNP rs754637008, ClinGen allele CA10213746.
Genomic context (GRCh38, chr22:36,933,871, plus strand): 5'-ACCCTCAGTGCCAACCCACAGGACAGCAAGACCGAGACCCTCCAGAACGCCCACAGCATG[G>T]CCCTGCCAGCCCTGGAGCCCTCCACCAGGTACTGGGCCAGGGTGAGGGTCAGGACCTCCC-3'
Protein context (NP_000386.1, residues 388-408): TETLQNAHSM[Ala398Ser]LPALEPSTRY